The following is an entry in ClinVar:

NM_014413.4(EIF2AK1):c.376C>T (p.His126Tyr)

Gene: EIF2AK1 (eukaryotic translation initiation factor 2 alpha kinase 1; minus strand). Cytogenetic location: 7p22.1.
Variant type: single nucleotide variant.
Coding change: c.376C>T on transcript NM_014413.4 (MANE Select); coding-DNA position 376, C replaced by T.
Protein change: p.His126Tyr; replaces histidine 126 with tyrosine.
Molecular consequence: missense variant.
Genome position (GRCh38, 1-based): chr7:6,049,947, G>A on the plus strand (C>T on the coding strand, the complement: EIF2AK1 is on the minus strand). VCF-style: chr7-6049947-G-A. GRCh37 (hg19) VCF-style: chr7-6089578-G-A.
Other names: c.376C>T, p.His126Tyr (NM_001134335.2); short protein forms H126Y.
Identifiers: ClinVar variation 4881283 (VCV004881283.2).

ClinVar aggregate classification (germline): Uncertain significance (1 of 4 stars; one submission).

Conditions:
Leukoencephalopathy, motor delay, spasticity, and dysarthria syndrome. Also called: LEMSPAD SYNDROME. Identifiers: MedGen C5394371, MONDO:0030036, OMIM 618878.

gnomAD v4.1: 1 of 1,612,638 alleles (0.000062%); highest among the groups gnomAD compares: East Asian, 0.0022%; no homozygotes.

Submission:

Dasa
Classification: Uncertain significance for Leukoencephalopathy, motor delay, spasticity, and dysarthria syndrome. Last evaluated: 2025-04-17. Review status: criteria provided, single submitter. Criteria: DASA Assertion Criteria. Collection method: clinical testing. Allele origin: germline.
Comment: NM_014413.4(EIF2AK1):c.376C>T (p.His126Tyr) is a missense variant that results in the substitution of histidine with tyrosine. This variant is rare in population databases. Computational prediction algorithms are consistent with a benign effect. The currently available literature and clinical evidence are not sufficient to establish a definitive association between this variant and the reported condition. Therefore, this variant is classified as a variant of uncertain significance.